The following is an entry in ClinVar:

NM_178857.6(RP1L1):c.1242C>T (p.Ala414=)

Gene: RP1L1 (RP1 like 1). Cytogenetic location: 8p23.1.
Variant type: single nucleotide variant.
Coding change: c.1242C>T on transcript NM_178857.6 (MANE Select); coding-DNA position 1242, C replaced by T.
Protein change: p.Ala414=; no amino-acid change (alanine 414 retained).
Molecular consequence: synonymous variant.
Genome position (GRCh38, 1-based): chr8:10,612,856, G>A on the plus strand (C>T on the coding strand, the complement: RP1L1 is on the minus strand). VCF-style: chr8-10612856-G-A. GRCh37 (hg19) VCF-style: chr8-10470366-G-A.
Identifiers: ClinVar variation 4875424 (VCV004875424.2).
Genomic context (GRCh38, chr8:10,612,856, plus strand): 5'-GCAGCGGACGTGCTGGGCCAGTCCCCACCTCTTCCGAGCTGCCACTCTCTCTCCCTGGGA[G>A]GCATGCAGGGGATTCGTCCAGATTTCATACTTGGGCCCTGGCTGCCCGCCTCGGCCAAAG-3'
Protein context (NP_849188.4, residues 404-424): KYEIWTNPLH[Ala414=]SQGERVAARK

ClinVar aggregate classification (germline): Likely benign (1 of 4 stars; one submission).

gnomAD v4.1: 4 of 1,612,754 alleles (0.00025%); highest among the groups gnomAD compares: Non-Finnish European, 0.00034%; no homozygotes.

Submission:

CeGaT Center for Human Genetics Tuebingen
Classification: Likely benign. Last evaluated: 2026-06-01. Review status: criteria provided, single submitter. Criteria: CeGaT Center For Human Genetics Tuebingen Variant Classification Criteria Version 2. Collection method: clinical testing. Allele origin: germline. Affected: yes. Observed: 1 variant allele.
Comment: RP1L1: BP4, BP7